The following is an entry in ClinVar:

NM_003924.4(PHOX2B):c.815G>A (p.Gly272Asp)

Gene: PHOX2B (paired like homeobox 2B; minus strand). Cytogenetic location: 4p13.
Variant type: single nucleotide variant.
Coding change: c.815G>A on transcript NM_003924.4 (MANE Select); coding-DNA position 815, G replaced by A.
Protein change: p.Gly272Asp; replaces glycine 272 with aspartic acid.
Molecular consequence: missense variant.
Genome position (GRCh38, 1-based): chr4:41,745,937, C>T on the plus strand (G>A on the coding strand, the complement: PHOX2B is on the minus strand). VCF-style: chr4-41745937-C-T. GRCh37 (hg19) VCF-style: chr4-41747954-C-T.
Other names: c.815G>A (NM_003924.3); short protein forms G272D.
Identifiers: ClinVar variation 1376427 (VCV001376427.7), dbSNP rs1355806826, ClinGen allele CA356737086.

ClinVar aggregate classification (germline): Uncertain significance. Review status: criteria provided, multiple submitters, no conflicts (2 of 4 stars). 2 submissions from 2 submitters: Uncertain significance (2). Last evaluated 2024-02-24.

Conditions:
Hereditary cancer-predisposing syndrome. Also called: Neoplastic Syndromes, Hereditary; Hereditary Cancer Syndrome; Tumor predisposition; Hereditary neoplastic syndrome. Identifiers: Orphanet 140162, MedGen C0027672, MeSH D009386, MONDO:0015356.
Haddad syndrome (OHD). Also called: Ondine-Hirschsprung disease. Identifiers: Orphanet 99803, MedGen C1859049, MONDO:0020493.

gnomAD v4.1: 1 of 1,575,782 alleles (0.000063%); highest among the groups gnomAD compares: Non-Finnish European, 0.000086%; no homozygotes.

Submissions (2):

Ambry Genetics
Classification: Uncertain significance for Hereditary cancer-predisposing syndrome. Last evaluated: 2024-02-24. Review status: criteria provided, single submitter. Criteria: Ambry Variant Classification Scheme 2023. Collection method: clinical testing. Allele origin: germline.
Comment: The p.G272D variant (also known as c.815G>A), located in coding exon 3 of the PHOX2B gene, results from a G to A substitution at nucleotide position 815. The glycine at codon 272 is replaced by aspartic acid, an amino acid with similar properties. This amino acid position is conserved. In addition, the in silico prediction for this alteration is inconclusive. Based on the available evidence, the clinical significance of this alteration remains unclear.

Labcorp Genetics (formerly Invitae), Labcorp
Classification: Uncertain significance for Haddad syndrome. Last evaluated: 2021-08-22. Review status: criteria provided, single submitter. Criteria: Invitae Variant Classification Sherloc (09022015). Collection method: clinical testing. Allele origin: germline.
Comment: This sequence change replaces glycine with aspartic acid at codon 272 of the PHOX2B protein (p.Gly272Asp). The glycine residue is highly conserved and there is a moderate physicochemical difference between glycine and aspartic acid. This variant is not present in population databases (ExAC no frequency). This variant has not been reported in the literature in individuals affected with PHOX2B-related conditions. Algorithms developed to predict the effect of missense changes on protein structure and function are either unavailable or do not agree on the potential impact of this missense change (SIFT: "Deleterious"; PolyPhen-2: "Not Available"; Align-GVGD: "Class C0"). In summary, the available evidence is currently insufficient to determine the role of this variant in disease. Therefore, it has been classified as a Variant of Uncertain Significance.